The following is an entry in ClinVar:

NM_001040108.2(MLH3):c.242T>C (p.Val81Ala)

Gene: MLH3 (mutL homolog 3; minus strand). Cytogenetic location: 14q24.3.
Variant type: single nucleotide variant.
Coding change: c.242T>C on transcript NM_001040108.2 (MANE Select); coding-DNA position 242, T replaced by C.
Protein change: p.Val81Ala; replaces valine 81 with alanine.
Molecular consequence: missense variant.
Genome position (GRCh38, 1-based): chr14:75,049,414, A>G on the plus strand (T>C on the coding strand, the complement: MLH3 is on the minus strand). VCF-style: chr14-75049414-A-G. GRCh37 (hg19) VCF-style: chr14-75516117-A-G.
Other names: c.242T>C, p.Val81Ala (NM_014381.3); short protein forms V81A.
Identifiers: ClinVar variation 2898782 (VCV002898782.4), dbSNP rs907606500, ClinGen allele CA263654001.

ClinVar aggregate classification (germline): Uncertain significance. Review status: criteria provided, multiple submitters, no conflicts (2 of 4 stars). 2 submissions from 2 submitters: Uncertain significance (2). Last evaluated 2026-05-28.

Conditions:
Colorectal cancer, hereditary nonpolyposis, type 7. Identifiers: Orphanet 144, MedGen C1858380, MONDO:0013725, OMIM 614385.

Allele frequency attached by ClinVar (database versions not stated): gnomAD 0.00001.
gnomAD v4.1: 1 of 1,614,056 alleles (0.000062%); highest among the groups gnomAD compares: African/African-American, 0.0013%; no homozygotes.

Submissions (2):

Ambry Genetics
Classification: Uncertain significance. Last evaluated: 2026-05-28. Review status: criteria provided, single submitter. Criteria: Ambry Variant Classification Scheme 2023. Collection method: clinical testing. Allele origin: germline.
Comment: The p.V81A variant (also known as c.242T>C), located in coding exon 1 of the MLH3 gene, results from a T to C substitution at nucleotide position 242. The valine at codon 81 is replaced by alanine, an amino acid with similar properties. This amino acid position is not well conserved in available vertebrate species. In addition, this alteration is predicted to be tolerated by in silico analysis. Based on the available evidence, the clinical significance of this variant remains unclear.

Labcorp Genetics (formerly Invitae), Labcorp
Classification: Uncertain significance for Colorectal cancer, hereditary nonpolyposis, type 7. Last evaluated: 2023-05-30. Review status: criteria provided, single submitter. Criteria: Invitae Variant Classification Sherloc (09022015). Collection method: clinical testing. Allele origin: germline.
Comment: In summary, the available evidence is currently insufficient to determine the role of this variant in disease. Therefore, it has been classified as a Variant of Uncertain Significance. An algorithm developed to predict the effect of missense changes on protein structure and function (PolyPhen-2) suggests that this variant is likely to be tolerated. This variant has not been reported in the literature in individuals affected with MLH3-related conditions. This variant is not present in population databases (gnomAD no frequency). This sequence change replaces valine, which is neutral and non-polar, with alanine, which is neutral and non-polar, at codon 81 of the MLH3 protein (p.Val81Ala).